The following is an entry in ClinVar:

ClinVar aggregate classification (germline): Pathogenic. Review status: criteria provided, single submitter (1 of 4 stars). 2 submissions from 2 submitters: Pathogenic (1). 1 of the submissions does not count toward it. Last evaluated 2025-01-09.

Conditions:
Waardenburg syndrome type 1 (WS1). Also called: WAARDENBURG SYNDROME WITH DYSTOPIA CANTHORUM; Waardenburg Syndrome Type I. Identifiers: Orphanet 894, MedGen C1847800, MONDO:0008670, OMIM 193500.
PAX3-related disorder. Also called: PAX3-related condition.

Submissions (2):

Institute of Rare Diseases, West China Hospital, Sichuan University
Classification: Pathogenic for Waardenburg syndrome type 1. Last evaluated: 2025-01-09. Review status: criteria provided, single submitter. Criteria: ClinGen HL ACMG Specifications v1. Collection method: research. Allele origin: germline. Affected: yes.
Comment: PM1;PVS1;PM2_Supporting

PreventionGenetics, part of Exact Sciences
Classification: Likely pathogenic for PAX3-related condition. Last evaluated: 2024-04-10. Review status: no assertion criteria provided. Collection method: clinical testing. Allele origin: germline. Not counted in ClinVar's aggregate classification.
Comment: The PAX3 c.793-1G>C variant is predicted to disrupt the AG splice acceptor site and interfere with normal splicing. To our knowledge, this variant has not been reported in the literature or in a large population database, indicating this variant is rare. Variants that disrupt the consensus splice acceptor site in PAX3 are expected to be pathogenic. This variant is interpreted as likely pathogenic.

NM_181458.4(PAX3):c.793-1G>C

Gene: PAX3 (paired box 3; minus strand). Cytogenetic location: 2q36.1.
Variant type: single nucleotide variant.
Coding change: c.793-1G>C on transcript NM_181458.4 (MANE Select); the canonical splice acceptor site of the intron before coding-DNA position 793, G replaced by C.
Molecular consequence: splice acceptor variant.
Genome position (GRCh38, 1-based): chr2:222,221,388, C>G on the plus strand (G>C on the coding strand, the complement: PAX3 is on the minus strand). VCF-style: chr2-222221388-C-G. GRCh37 (hg19) VCF-style: chr2-223086107-C-G.
Other names: c.790-1G>C (NM_001127366.3); c.793-1G>C (NM_181460.4, NM_181461.4, NM_181459.4 and 1 more transcripts).
Identifiers: ClinVar variation 3344079 (VCV003344079.2).